The following is an entry in ClinVar:

NM_017763.6(RNF43):c.1182A>G (p.Ala394=)

Gene: RNF43 (ring finger protein 43; minus strand). Cytogenetic location: 17q22.
Variant type: single nucleotide variant.
Coding change: c.1182A>G on transcript NM_017763.6 (MANE Select); coding-DNA position 1182, A replaced by G.
Protein change: p.Ala394=; no amino-acid change (alanine 394 retained).
Molecular consequence: synonymous variant.
Genome position (GRCh38, 1-based): chr17:58,358,594, T>C on the plus strand (A>G on the coding strand, the complement: RNF43 is on the minus strand). VCF-style: chr17-58358594-T-C. GRCh37 (hg19) VCF-style: chr17-56435955-T-C.
Other names: c.1182A>G, p.Ala394= (NM_001305544.3, NM_001438820.1, NM_001438821.1 and 1 more transcripts); c.801A>G, p.Ala267= (NM_001305545.2, NM_001437987.1).
Identifiers: ClinVar variation 5042360 (VCV005042360.1).

ClinVar aggregate classification (germline): Benign (1 of 4 stars; one submission).

Conditions:
Sessile serrated polyposis cancer syndrome (SSPCS). Identifiers: Orphanet 157798, MedGen C4310714, MONDO:0014919, OMIM 617108.

Submission:

Myriad Genetics, Inc.
Classification: Benign for Sessile serrated polyposis cancer syndrome. Last evaluated: 2026-07-01. Review status: criteria provided, single submitter. Criteria: Myriad Autosomal Dominant, Autosomal Recessive and X-Linked Classification Criteria (2023). Collection method: clinical testing. Allele origin: unknown.
Comment: This variant is considered benign. This variant is a silent/synonymous amino acid change and it is not expected to impact splicing.